The following is an entry in ClinVar:

NC_000019.9:g.(?_5894753)_(5903719_?)dup

Gene: NDUFA11 (NADH:ubiquinone oxidoreductase subunit A11; minus strand). Cytogenetic location: 19p13.3.
Variant type: Duplication.
Identifiers: ClinVar variation 1412905 (VCV001412905.5).

ClinVar aggregate classification (germline): Uncertain significance (1 of 4 stars; one submission).

Submission:

Labcorp Genetics (formerly Invitae), Labcorp
Classification: Uncertain significance. Last evaluated: 2024-01-02. Review status: criteria provided, single submitter. Criteria: Invitae Variant Classification Sherloc (09022015). Collection method: clinical testing. Allele origin: germline.
Comment: A copy number gain of the genomic region encompassing the full coding sequence of the NDUFA11 gene has been identified. The boundaries of this event are unknown as they extend beyond the assayed region for this gene and therefore may encompass additional genes. As the precise location of this event is unknown, it may be in tandem or it may be located elsewhere in the genome. This variant has not been reported in the literature in individuals affected with NDUFA11-related conditions. In summary, the available evidence is currently insufficient to determine the role of this variant in disease. Therefore, it has been classified as a Variant of Uncertain Significance.